The following is an entry in ClinVar:

ClinVar aggregate classification (germline): Uncertain significance (1 of 4 stars; one submission).

Conditions:
Inborn genetic diseases. Identifiers: MedGen C0950123, MeSH D030342.

gnomAD v4.1: 6 of 1,614,164 alleles (0.00037%); highest among the groups gnomAD compares: Admixed American, 0.0067%; no homozygotes.

Submission:

Ambry Genetics
Classification: Uncertain significance for Inborn genetic diseases. Last evaluated: 2025-06-21. Review status: criteria provided, single submitter. Criteria: Ambry Variant Classification Scheme 2023. Collection method: clinical testing. Allele origin: germline.
Comment: The p.P530L variant (also known as c.1589C>T), located in coding exon 7 of the SH2B3 gene, results from a C to T substitution at nucleotide position 1589. The proline at codon 530 is replaced by leucine, an amino acid with similar properties. This amino acid position is conserved. In addition, this alteration is predicted to be tolerated by in silico analysis. Based on the available evidence, the clinical significance of this variant remains unclear.

NM_005475.3(SH2B3):c.1589C>T (p.Pro530Leu)

Gene: SH2B3 (SH2B adaptor protein 3; plus strand). Cytogenetic location: 12q24.12.
Variant type: single nucleotide variant.
Coding change: c.1589C>T on transcript NM_005475.3 (MANE Select); coding-DNA position 1589, C replaced by T.
Protein change: p.Pro530Leu; replaces proline 530 with leucine.
Molecular consequence: missense variant.
Genome position (GRCh38, 1-based): chr12:111,448,163, C>T. VCF-style: chr12-111448163-C-T. GRCh37 (hg19) VCF-style: chr12-111885967-C-T.
Other names: c.983C>T, p.Pro328Leu (NM_001291424.1); short protein forms P530L, P328L.
Identifiers: ClinVar variation 4163901 (VCV004163901.1).
Genomic context (GRCh38, chr12:111,448,163, plus strand): 5'-TCAGCCCAGAGGGTCTCCCAGGGCGATCCTCACCCCCCGAGCAGATCTTCCACCTGGTGC[C>T]TTCGCCCGAAGAACTGGCCAACAGCCTGCAGCACCTGGAGCATGAGCCTGTGAATCGAGC-3'
Protein context (NP_005466.1, residues 520-540): SPPEQIFHLV[Pro530Leu]SPEELANSLQ